The following is an entry in ClinVar:

ClinVar aggregate classification (germline): Pathogenic (1 of 4 stars; one submission).

Conditions:
Exostoses, multiple, type 2 (EXT2). Also called: Hereditary Multiple Osteochondromatosis, Type II; EXOSTOSES, MULTIPLE, TYPE II. Identifiers: Orphanet 321, MedGen C1851413, MONDO:0007586, OMIM 133701.

Submission:

Labcorp Genetics (formerly Invitae), Labcorp
Classification: Pathogenic for Exostoses, multiple, type 2. Last evaluated: 2026-01-16. Review status: criteria provided, single submitter. Criteria: Invitae Variant Classification Sherloc (09022015). Collection method: clinical testing. Allele origin: germline.
Comment: This sequence change creates a premature translational stop signal (p.Gly338Alafs*98) in the EXT2 gene. It is expected to result in an absent or disrupted protein product. Loss-of-function variants in EXT2 are known to be pathogenic (PMID: 10679937, 19810120). This variant is not present in population databases (gnomAD no frequency). This variant has not been reported in the literature in individuals affected with EXT2-related conditions. ClinVar contains an entry for this variant (Variation ID: 1417949). For these reasons, this variant has been classified as Pathogenic.

Literature cited by the submitters: PubMed 10679937; PubMed 19810120.

NM_207122.2(EXT2):c.1013del (p.Gly338fs)

Gene: EXT2 (exostosin glycosyltransferase 2; plus strand). Cytogenetic location: 11p11.2.
Variant type: Deletion.
Coding change: c.1013del on transcript NM_207122.2 (MANE Select); coding-DNA position 1013, one base deleted (G; older notation c.1013delG).
Protein change: p.Gly338fs; shifts the reading frame from glycine 338.
Molecular consequence: frameshift variant.
Genome position (GRCh38, 1-based): chr11:44,126,889, G deleted; the last of 2 consecutive G bases (chr11:44,126,888-44,126,889); deleting either gives the same sequence. VCF-style (leftmost placement, unchanged base first): chr11-44126887-TG-T. GRCh37 (hg19) VCF-style: chr11-44148437-TG-T.
Other names: c.1112del, p.Gly371fs (NM_000401.3); c.1013del, p.Gly338fs (NM_001178083.3, NM_001389628.1, NM_001389630.1); short protein forms G338fs, G371fs.
Identifiers: ClinVar variation 1417949 (VCV001417949.6), dbSNP rs2135020654, ClinGen allele CA2573146321.
Genomic context (GRCh38, chr11:44,126,887, plus strand): 5'-CTGTGTGGTTCTTCGTGGAGCTCGGCTGGGCCAGGCAGTATTGAGCGATGTGTTACAAGC[TG>T]GCTGTGTCCCGGTTGTCATTGCAGACTCCTATATTTTGCCTTTCTCTGAAGTTCTTGACT-3'